The following is an entry in ClinVar:

ClinVar aggregate classification (germline): Pathogenic. Review status: reviewed by expert panel (3 of 4 stars). 21 submissions from 21 submitters: Pathogenic (1). 20 of the submissions do not count toward it. Last evaluated 2024-11-26.

Conditions:
ATM-related cancer predisposition. Also called: ATM-related cancer susceptibility. Identifiers: MedGen CN377759, MONDO:0700270.
ATM-related disorder. Also called: ATM-related disorders; ATM-related condition.
Ataxia-telangiectasia syndrome (AT). Also called: Ataxia-telangiectasia, complementation group E; Cerebello-oculocutaneous telangiectasia; Immunodeficiency with ataxia telangiectasia; ATAXIA-TELANGIECTASIA, COMPLEMENTATION GROUP A; ATAXIA-TELANGIECTASIA, FRESNO VARIANT; LOUIS-BAR SYNDROME. Identifiers: Orphanet 100, MedGen C0004135, MONDO:0008840, OMIM 208900.
Familial cancer of breast. Also called: BREAST CANCER, FAMILIAL; hereditary breast carcinoma; Hereditary breast cancer. Identifiers: Orphanet 227535, MedGen C0346153, MONDO:0016419, OMIM 114480. Disease mechanism: loss of function.
Gastric cancer. Also called: Stomach cancer; Malignant tumor of stomach. Identifiers: MedGen C0024623, MeSH D013274, MONDO:0001056, OMIM 613659, HP:0012126.
Hereditary cancer-predisposing syndrome. Also called: Neoplastic Syndromes, Hereditary; Tumor predisposition; Hereditary Cancer Syndrome; Hereditary neoplastic syndrome. Identifiers: Orphanet 140162, MedGen C0027672, MeSH D009386, MONDO:0015356.
Malignant tumor of breast. Also called: Cancer breast; Malignant breast neoplasm. Identifiers: MedGen C0006142, MONDO:0007254. Disease mechanism: loss of function.

Allele frequency attached by ClinVar (database versions not stated): gnomAD exomes below 0.00001; ExAC 0.00001.

Submissions 1 to 10 of 21:

ClinGen Hereditary Breast, Ovarian and Pancreatic Cancer Variant Curation Expert Panel, ClinGen
Classification: Pathogenic for ATM-related cancer predisposition. Last evaluated: 2024-11-26. Review status: reviewed by expert panel. Criteria: ClinGen HBOP ACMG Specifications ATM V1.3.0. Collection method: curation. Allele origin: germline. Inheritance: Autosomal dominant inheritance.
Comment: The c.748C>T (p.Arg250*) variant in ATM is a nonsense variant predicted to cause a premature stop codon in biologically-relevant-exon leading to nonsense mediated decay in a gene in which loss-of-function is an established disease mechanism. This alteration results in a termination codon upstream of the most C-terminus pathogenic alteration (ATM p.Arg3047*), as classified by the HBOP VCEP, and is expected to be more deleterious. This variant has been detected in numerous individuals with Ataxia-Telangiectasia (PMIDs: 10330348, 12552559, 20840352, 21778326, 22006793, 26896185, 30816533, 31611883). The highest population minor allele frequency in gnomAD v2.1.1 0.00003 (1/34560) which meets the PM2 threshold of n≤1 alleles when sub-population frequency is >0.00001 (PM2_Supporting met). In summary, this variant meets criteria to be classified as pathogenic for autosomal dominant ATM-related cancer predisposition and autosomal recessive Ataxia-Telangiectasia based on the ACMG/AMP criteria applied, as specified by the HBOP VCEP. (PVS1, PM5_Supporting, PM3_VeryStrong, PM2_Supporting)

Labcorp Genetics (formerly Invitae), Labcorp
Classification: Pathogenic for Ataxia-telangiectasia syndrome. Last evaluated: 2026-01-06. Review status: criteria provided, single submitter. Criteria: Invitae Variant Classification Sherloc (09022015). Collection method: clinical testing. Allele origin: germline. Not counted in ClinVar's aggregate classification.
Comment: This sequence change creates a premature translational stop signal (p.Arg250*) in the ATM gene. It is expected to result in an absent or disrupted protein product. Loss-of-function variants in ATM are known to be pathogenic (PMID: 23807571, 25614872). This variant is present in population databases (rs772821016, gnomAD 0.003%). This premature translational stop signal has been observed in individual(s) with ataxia-telangiectasia and/or breast cancer (PMID: 10330348, 12552559, 22006793, 28724667). ClinVar contains an entry for this variant (Variation ID: 216024). Studies have shown that this premature translational stop signal is associated with inconclusive levels of altered splicing (internal data). For these reasons, this variant has been classified as Pathogenic.

PreventionGenetics, part of Exact Sciences
Classification: Pathogenic for ATM-related condition. Last evaluated: 2025-12-03. Review status: criteria provided, single submitter. Criteria: ACMG Guidelines, 2015. Collection method: clinical testing. Allele origin: germline. Not counted in ClinVar's aggregate classification.
Comment: The ATM c.748C>T variant is predicted to result in premature protein termination (p.Arg250*). This variant has been reported as compound heterozygous in individuals with ataxia-telangiectasia and as heterozygous in individuals with breast cancer (Buzin et al 2003. PubMed ID: 12552559; Cao et al 2019. PubMed ID: 30816533; Sun et al 2017. PubMed ID: 28724667; Yang et al. 2019. PubMed ID: 30607632). This variant is reported in 0.0029% of alleles in individuals of Latino descent in gnomAD and is classified as pathogenic by the ClinGen Hereditary Breast, Ovarian, and Pancreatic Cancer Variant Curation Expert Panel (Variation ID: 216024). Nonsense variants in ATM are expected to be pathogenic. This variant is interpreted as pathogenic.

Natera, Inc.
Classification: Pathogenic for Ataxia-telangiectasia. Last evaluated: 2025-07-28. Review status: criteria provided, single submitter. Criteria: Natera Variant Classification Schema (03/2026). Collection method: clinical testing. Allele origin: germline. Not counted in ClinVar's aggregate classification.
Comment: The c.748C>T variant in ATM is a nonsense variant predicted to introduce a stop codon at amino acid 250. This variant is expected to result in nonsense mediated decay, truncation, or a dysfunctional protein product. This variant is rare in the general population with a frequency below the threshold expected for the associated phenotype(s). This variant has been observed in one or more individuals affected with the associated recessive disease, as either homozygous or compound heterozygous with a second variant (PMID: 20840352, 12552559, 26896183). Given the available evidence, this variant is classified as Pathogenic.

Blueprint Genetics
Classification: Pathogenic for ATM-related disorders. Last evaluated: 2024-11-25. Review status: criteria provided, single submitter. Criteria: ACMG Guidelines, 2015. Collection method: clinical testing. Allele origin: germline. Affected: yes. Observed: 3 variant alleles. Not counted in ClinVar's aggregate classification.

Ambry Genetics
Classification: Pathogenic for Hereditary cancer-predisposing syndrome. Last evaluated: 2024-04-05. Review status: criteria provided, single submitter. Criteria: Ambry Variant Classification Scheme 2023. Collection method: clinical testing. Allele origin: germline. Not counted in ClinVar's aggregate classification.
Comment: The p.R250* pathogenic mutation (also known as c.748C>T), located in coding exon 6 of the ATM gene, results from a C to T substitution at nucleotide position 748. This changes the amino acid from an arginine to a stop codon within coding exon 6. This mutation has been reported in a cohort of 7657 BRCA1/2-negative Chinese breast cancer patients (Yang Z et al. Breast Cancer Res Treat, 2019 Apr;174:639-647) and in a cohort of 460 individuals from 440 families with at least two primary tumors by age 60 years or at least three by 70 years (Whitworth J et al. Am J Hum Genet, 2018 07;103:3-18). This mutation has been detected in numerous patients with ataxia-telangiectasia (A-T) in conjunction with another pathogenic ATM mutation (Teraoka SN et al. Am. J. Hum. Genet. 1999 Jun;64:1617-31; Buzin CH et al. Hum. Mutat. 2003 Feb;21:123-31; Keimling M et al. FASEB J. 2011 Nov;25:3849-60; Nakamura K et al. Hum. Mutat. 2012 Jan;33:198-208). In addition to the clinical data presented in the literature, this alteration is expected to result in loss of function by premature protein truncation or nonsense-mediated mRNA decay. As such, this alteration is interpreted as a disease-causing mutation.

Fulgent Genetics
Classification: Pathogenic for Familial cancer of breast; Ataxia-telangiectasia syndrome. Last evaluated: 2024-04-04. Review status: criteria provided, single submitter. Criteria: ACMG Guidelines, 2015. Collection method: clinical testing. Allele origin: germline. Not counted in ClinVar's aggregate classification.

KCCC/NGS Laboratory, Kuwait Cancer Control Center
Classification: Pathogenic for Familial cancer of breast. Last evaluated: 2024-01-31. Review status: criteria provided, single submitter. Criteria: ACMG Guidelines, 2015. Collection method: clinical testing. Allele origin: germline. Inheritance: Autosomal dominant inheritance. Affected: yes. Observed: 1 heterozygote. Not counted in ClinVar's aggregate classification.
Comment: This sequence change creates a premature translational stop signal (p.Arg250*) in the ATM gene. It is expected to result in an absent or disrupted protein product. Loss-of-function variants in ATM are known to be pathogenic (PMID: 23807571, 25614872). This variant Not observed at a significant frequency in large population cohorts (gnomAD). This premature translational stop signal has been observed in individual(s) with ataxia-telangiectasia and/or breast cancer (PMID: 30816533, 25525159, 12552559, 22006793, 19022408, 10330348, 20840352, 27479817, 21778326, 29909963, 22763152, 30607632, 32521533, 28724667, 32427313, 35664542, 31472684, 34954471, 30697212, 35158934). ClinVar contains an entry for this variant (Variation ID: 216024).This alteration is expected to result in loss of function by premature protein truncation or nonsense-mediated mRNA decay For these reasons, this variant has been classified as Pathogenic.

Myriad Genetics, Inc.
Classification: Pathogenic for Familial cancer of breast. Last evaluated: 2024-01-11. Review status: criteria provided, single submitter. Criteria: Myriad Autosomal Dominant, Autosomal Recessive and X-Linked Classification Criteria (2023). Collection method: clinical testing. Allele origin: unknown. Not counted in ClinVar's aggregate classification.
Comment: This variant is considered pathogenic. This variant creates a termination codon and is predicted to result in premature protein truncation.

Baylor Genetics
Classification: Pathogenic for Familial cancer of breast. Last evaluated: 2023-09-05. Review status: criteria provided, single submitter. Criteria: ACMG Guidelines, 2015. Collection method: clinical testing. Allele origin: unknown. Not counted in ClinVar's aggregate classification.

NM_000051.4(ATM):c.748C>T (p.Arg250Ter)

Gene: ATM (ATM serine/threonine kinase; plus strand). Cytogenetic location: 11q22.3.
Variant type: single nucleotide variant.
Coding change: c.748C>T on transcript NM_000051.4 (MANE Select); coding-DNA position 748, C replaced by T.
Protein change: p.Arg250Ter; replaces arginine 250 with a stop codon.
Molecular consequence: nonsense.
Genome position (GRCh38, 1-based): chr11:108,244,873, C>T. VCF-style: chr11-108244873-C-T. GRCh37 (hg19) VCF-style: chr11-108115600-C-T.
Other names: NM_000051.4(ATM):c.748C>T; p.Arg250Ter; c.748C>T, p.Arg250Ter (NM_001351834.2); short protein forms R250*.
Identifiers: ClinVar variation 216024 (VCV000216024.87), dbSNP rs772821016, ClinGen allele CA336868.